The following is an entry in ClinVar:

ClinVar aggregate classification (germline): Uncertain significance (1 of 4 stars; one submission).

Conditions:
Spinocerebellar ataxia type 19/22 (SCA19). Also called: SPINOCEREBELLAR ATAXIA 22; SPINOCEREBELLAR ATAXIA 19. Identifiers: Orphanet 98772, MedGen C1846367, MONDO:0011819, OMIM 607346.

Allele frequency attached by ClinVar (database versions not stated): ExAC 0.00001.

Submission:

Labcorp Genetics (formerly Invitae), Labcorp
Classification: Uncertain significance for Spinocerebellar ataxia type 19/22. Last evaluated: 2022-04-08. Review status: criteria provided, single submitter. Criteria: Invitae Variant Classification Sherloc (09022015). Collection method: clinical testing. Allele origin: germline.
Comment: In summary, the available evidence is currently insufficient to determine the role of this variant in disease. Therefore, it has been classified as a Variant of Uncertain Significance. Algorithms developed to predict the effect of missense changes on protein structure and function are either unavailable or do not agree on the potential impact of this missense change (SIFT: "Deleterious"; PolyPhen-2: "Benign"; Align-GVGD: "Class C0"). This variant has not been reported in the literature in individuals affected with KCND3-related conditions. This variant is not present in population databases (gnomAD no frequency). This sequence change replaces glutamic acid, which is acidic and polar, with valine, which is neutral and non-polar, at codon 572 of the KCND3 protein (p.Glu572Val).

NM_001378969.1(KCND3):c.1715A>T (p.Glu572Val)

Gene: KCND3 (potassium voltage-gated channel subfamily D member 3; minus strand). Cytogenetic location: 1p13.2.
Variant type: single nucleotide variant.
Coding change: c.1715A>T on transcript NM_001378969.1 (MANE Select); coding-DNA position 1715, A replaced by T.
Protein change: p.Glu572Val; replaces glutamic acid 572 with valine.
Molecular consequence: missense variant.
Genome position (GRCh38, 1-based): chr1:111,777,077, T>A on the plus strand (A>T on the coding strand, the complement: KCND3 is on the minus strand). VCF-style: chr1-111777077-T-A. GRCh37 (hg19) VCF-style: chr1-112319699-T-A.
Other names: c.1658A>T, p.Glu553Val (NM_001378970.1, NM_172198.3); c.1715A>T, p.Glu572Val (NM_004980.5); short protein forms E553V, E572V.
Identifiers: ClinVar variation 2123180 (VCV002123180.4), dbSNP rs763028439, ClinGen allele CA1007368.
Genomic context (GRCh38, chr1:111,777,077, plus strand): 5'-GCCACCCACCTGGTTGTGAGGGAGGGCTGCTCACTGCCCTGGATGTGGATCGTGCTGAGC[T>A]CTTGCATGCTGCGCAGGCGAGTAGCTGGCAGGTTAGAATTGGGCAGGTGTGTGGTCTTCT-3'
Protein context (NP_001365898.1, residues 562-582): LPATRLRSMQ[Glu572Val]LSTIHIQGSE